The following is an entry in ClinVar:

NM_152743.4(BRAT1):c.839G>C (p.Trp280Ser)

Gene: BRAT1 (BRCA1 associated ATM activator 1; minus strand). Cytogenetic location: 7p22.3.
Variant type: single nucleotide variant.
Coding change: c.839G>C on transcript NM_152743.4 (MANE Select); coding-DNA position 839, G replaced by C.
Protein change: p.Trp280Ser; replaces tryptophan 280 with serine.
Molecular consequence: missense variant. On other transcripts: non-coding transcript variant (1).
Genome position (GRCh38, 1-based): chr7:2,543,288, C>G on the plus strand (G>C on the coding strand, the complement: BRAT1 is on the minus strand). VCF-style: chr7-2543288-C-G. GRCh37 (hg19) VCF-style: chr7-2582922-C-G.
Other names: c.839G>C, p.Trp280Ser (NM_001350626.2); c.314G>C, p.Trp105Ser (NM_001350627.2); c.839G>C (NM_152743.3); short protein forms W105S, W280S.
Identifiers: ClinVar variation 1898522 (VCV001898522.4), dbSNP rs1208214745, ClinGen allele CA366631159.

ClinVar aggregate classification (germline): Uncertain significance. Review status: criteria provided, multiple submitters, no conflicts (2 of 4 stars). 2 submissions from 2 submitters: Uncertain significance (2). Last evaluated 2024-10-04.

Conditions:
Neonatal-onset encephalopathy with rigidity and seizures. Also called: Lethal neonatal spasticity-epileptic encephalopathy syndrome. Identifiers: Orphanet 435845, MedGen C3281029, MONDO:0013784, OMIM 614498.
Inborn genetic diseases. Identifiers: MedGen C0950123, MeSH D030342.

Allele frequency attached by ClinVar (database versions not stated): gnomAD exomes below 0.00001.

Submissions (2):

Ambry Genetics
Classification: Uncertain significance for Inborn genetic diseases. Last evaluated: 2024-10-04. Review status: criteria provided, single submitter. Criteria: Ambry Variant Classification Scheme 2023. Collection method: clinical testing. Allele origin: germline.

Labcorp Genetics (formerly Invitae), Labcorp
Classification: Uncertain significance for Neonatal-onset encephalopathy with rigidity and seizures. Last evaluated: 2022-05-10. Review status: criteria provided, single submitter. Criteria: Invitae Variant Classification Sherloc (09022015). Collection method: clinical testing. Allele origin: germline.
Comment: This sequence change replaces tryptophan, which is neutral and slightly polar, with serine, which is neutral and polar, at codon 280 of the BRAT1 protein (p.Trp280Ser). This variant is not present in population databases (gnomAD no frequency). This variant has not been reported in the literature in individuals affected with BRAT1-related conditions. Algorithms developed to predict the effect of missense changes on protein structure and function are either unavailable or do not agree on the potential impact of this missense change (SIFT: "Tolerated"; PolyPhen-2: "Possibly Damaging"; Align-GVGD: "Class C0"). In summary, the available evidence is currently insufficient to determine the role of this variant in disease. Therefore, it has been classified as a Variant of Uncertain Significance.